The following is an entry in ClinVar:

NM_024675.4(PALB2):c.545T>C (p.Ile182Thr)

Gene: PALB2 (partner and localizer of BRCA2; minus strand). Cytogenetic location: 16p12.2.
Variant type: single nucleotide variant.
Coding change: c.545T>C on transcript NM_024675.4 (MANE Select); coding-DNA position 545, T replaced by C.
Protein change: p.Ile182Thr; replaces isoleucine 182 with threonine.
Molecular consequence: missense variant.
Genome position (GRCh38, 1-based): chr16:23,636,001, A>G on the plus strand (T>C on the coding strand, the complement: PALB2 is on the minus strand). VCF-style: chr16-23636001-A-G. GRCh37 (hg19) VCF-style: chr16-23647322-A-G.
Other names: short protein forms I182T.
Identifiers: ClinVar variation 1014830 (VCV001014830.9), dbSNP rs1967039388, ClinGen allele CA395136884.

ClinVar aggregate classification (germline): Uncertain significance (1 of 4 stars; one submission).

Conditions:
Familial cancer of breast. Also called: BREAST CANCER, FAMILIAL; Hereditary breast cancer; hereditary breast carcinoma. Identifiers: Orphanet 227535, MedGen C0346153, MONDO:0016419, OMIM 114480. Disease mechanism: loss of function.

Allele frequency attached by ClinVar (database versions not stated): gnomAD exomes below 0.00001.
gnomAD v4.1: 1 of 1,614,024 alleles (0.000062%); highest among the groups gnomAD compares: South Asian, 0.0011%; no homozygotes.

Submission:

Labcorp Genetics (formerly Invitae), Labcorp
Classification: Uncertain significance for Familial cancer of breast. Last evaluated: 2024-10-09. Review status: criteria provided, single submitter. Criteria: Invitae Variant Classification Sherloc (09022015). Collection method: clinical testing. Allele origin: germline.
Comment: This sequence change replaces isoleucine, which is neutral and non-polar, with threonine, which is neutral and polar, at codon 182 of the PALB2 protein (p.Ile182Thr). This variant is not present in population databases (gnomAD no frequency). This variant has not been reported in the literature in individuals affected with PALB2-related conditions. ClinVar contains an entry for this variant (Variation ID: 1014830). An algorithm developed to predict the effect of missense changes on protein structure and function outputs the following: PolyPhen-2: "Benign". The threonine amino acid residue is found in multiple mammalian species, which suggests that this missense change does not adversely affect protein function. In summary, the available evidence is currently insufficient to determine the role of this variant in disease. Therefore, it has been classified as a Variant of Uncertain Significance.